The following is an entry in ClinVar:

ClinVar aggregate classification (germline): Uncertain significance (1 of 4 stars; one submission).

Submission:

Ambry Genetics
Classification: Uncertain significance. Last evaluated: 2022-06-21. Review status: criteria provided, single submitter. Criteria: Ambry Variant Classification Scheme 2023. Collection method: clinical testing. Allele origin: germline.
Comment: The p.A515T variant (also known as c.1543G>A), located in coding exon 3 of the ALPK2 gene, results from a G to A substitution at nucleotide position 1543. The alanine at codon 515 is replaced by threonine, an amino acid with similar properties. This amino acid position is conserved. In addition, this alteration is predicted to be tolerated by in silico analysis. Since supporting evidence is limited at this time, the clinical significance of this alteration remains unclear.

NM_052947.4(ALPK2):c.1543G>A (p.Ala515Thr)

Gene: ALPK2 (alpha kinase 2; minus strand). Cytogenetic location: 18q21.31.
Variant type: single nucleotide variant.
Coding change: c.1543G>A on transcript NM_052947.4 (MANE Select); coding-DNA position 1543, G replaced by A.
Protein change: p.Ala515Thr; replaces alanine 515 with threonine.
Molecular consequence: missense variant.
Genome position (GRCh38, 1-based): chr18:58,579,233, C>T on the plus strand (G>A on the coding strand, the complement: ALPK2 is on the minus strand). VCF-style: chr18-58579233-C-T. GRCh37 (hg19) VCF-style: chr18-56246465-C-T.
Other names: short protein forms A515T.
Identifiers: ClinVar variation 1774892 (VCV001774892.2), dbSNP rs866329445, ClinGen allele CA300927074.